The following is an entry in ClinVar:

NM_001083614.2(EARS2):c.852G>A (p.Lys284=)

Gene: EARS2 (glutamyl-tRNA synthetase 2, mitochondrial; minus strand). Cytogenetic location: 16p12.2.
Variant type: single nucleotide variant.
Coding change: c.852G>A on transcript NM_001083614.2 (MANE Select); coding-DNA position 852, G replaced by A.
Protein change: p.Lys284=; no amino-acid change (lysine 284 retained).
Molecular consequence: synonymous variant. On other transcripts: non-coding transcript variant (1).
Genome position (GRCh38, 1-based): chr16:23,534,994, C>T on the plus strand (G>A on the coding strand, the complement: EARS2 is on the minus strand). VCF-style: chr16-23534994-C-T. GRCh37 (hg19) VCF-style: chr16-23546315-C-T.
Other names: c.852G>A, p.Lys284= (NM_001308211.1, NM_133451.1).
Identifiers: ClinVar variation 3032219 (VCV003032219.2), dbSNP rs1965389692, ClinGen allele CA494460397.

ClinVar aggregate classification (germline): Likely benign (0 of 4 stars; one submission).

Conditions:
EARS2-related disorder. Also called: EARS2-related condition; EARS2-related disorders.

Submission:

PreventionGenetics, part of Exact Sciences
Classification: Likely benign for EARS2-related condition. Last evaluated: 2024-01-23. Review status: no assertion criteria provided. Collection method: clinical testing. Allele origin: germline.
Comment: This variant is classified as likely benign based on ACMG/AMP sequence variant interpretation guidelines (Richards et al. 2015 PMID: 25741868, with internal and published modifications).